The following is an entry in ClinVar:

NM_000138.5(FBN1):c.7051G>A (p.Gly2351Ser)

Gene: FBN1 (fibrillin 1; minus strand). Cytogenetic location: 15q21.1.
Variant type: single nucleotide variant.
Coding change: c.7051G>A on transcript NM_000138.5 (MANE Select); coding-DNA position 7051, G replaced by A.
Protein change: p.Gly2351Ser; replaces glycine 2351 with serine.
Molecular consequence: missense variant.
Genome position (GRCh38, 1-based): chr15:48,427,720, C>T on the plus strand (G>A on the coding strand, the complement: FBN1 is on the minus strand). VCF-style: chr15-48427720-C-T. GRCh37 (hg19) VCF-style: chr15-48719917-C-T.
Other names: p.G2351S:GGC>AGC; short protein forms G2351S.
Identifiers: ClinVar variation 200102 (VCV000200102.23), dbSNP rs746127796, ClinGen allele CA016962.
Genomic context (GRCh38, chr15:48,427,720, plus strand): 5'-AGCCTCTCCCTCCGTCACAGCAGCATTCCGATTTGGTGACGGGGTTCCTGTTGCTGGAGC[C>T]GATCTGACACATGTTTTGTAGCACCTCTGTGAAGCAGTACCCTTCCCGATTGTCTGGAAG-3'
Protein context (NP_000129.3, residues 2341-2361): TEVLQNMCQI[Gly2351Ser]SSNRNPVTKS

ClinVar aggregate classification (germline): Conflicting classifications of pathogenicity. Review status: criteria provided, conflicting classifications (1 of 4 stars). 10 submissions from 10 submitters: Uncertain significance (6); Benign (1); Likely benign (3). Last evaluated 2026-01-05.

Conditions:
Marfan syndrome (MFS). Also called: MARFAN SYNDROME, TYPE I; FBN1-Related Marfan Syndrome; Marfan syndrome, classic; Marfan syndrome type 1; Marfan's syndrome. Identifiers: Orphanet 284963, Orphanet 558, MedGen C0024796, MONDO:0007947, OMIM 154700.
Familial thoracic aortic aneurysm and aortic dissection (TAAD). Also called: Thoracic aortic aneurysms and dissections. Identifiers: Orphanet 91387, MedGen C4707243, MONDO:0019625.

Allele frequency attached by ClinVar (database versions not stated): TOPMed 0.00003; ExAC 0.00002; gnomAD 0.00005.
gnomAD v4.1: 21 of 1,613,942 alleles (0.0013%); highest among the groups gnomAD compares: African/African-American, 0.008%; no homozygotes.

Submissions (10):

Labcorp Genetics (formerly Invitae), Labcorp
Classification: Benign for Marfan syndrome; Familial thoracic aortic aneurysm and aortic dissection. Last evaluated: 2026-01-05. Review status: criteria provided, single submitter. Criteria: Invitae Variant Classification Sherloc (09022015). Collection method: clinical testing. Allele origin: germline.

Ambry Genetics
Classification: Uncertain significance for Familial thoracic aortic aneurysm and aortic dissection. Last evaluated: 2025-08-20. Review status: criteria provided, single submitter. Criteria: Ambry Variant Classification Scheme 2023. Collection method: clinical testing. Allele origin: germline.
Comment: The p.G2351S variant (also known as c.7051G>A), located in coding exon 57 of the FBN1 gene, results from a G to A substitution at nucleotide position 7051. The glycine at codon 2351 is replaced by serine, an amino acid with similar properties. This alteration was reported in a sporadic coronary artery dissection cohort (Sun Y et al. J Am Coll Cardiol, 2019 Jul;74:167-176). This amino acid position is not well conserved in available vertebrate species, and serine is the reference amino acid in other vertebrate species. In addition, this alteration is predicted to be tolerated by in silico analysis. Based on the available evidence, the clinical significance of this variant remains unclear.

Color Diagnostics, LLC DBA Color Health
Classification: Likely benign for Familial thoracic aortic aneurysm and aortic dissection. Last evaluated: 2024-09-23. Review status: criteria provided, single submitter. Criteria: ACMG Guidelines, 2015. Collection method: clinical testing. Allele origin: germline.

All of Us Research Program, National Institutes of Health
Classification: Uncertain significance for Marfan syndrome. Last evaluated: 2023-10-02. Review status: criteria provided, single submitter. Criteria: ACMG Guidelines, 2015. Collection method: clinical testing. Allele origin: germline. Inheritance: Autosomal dominant inheritance. Observed: 7 variant alleles, 7 heterozygotes.
Comment: This missense variant replaces glycine with serine at codon 2351 of the FBN1 protein. Computational prediction suggests that this variant may not impact protein structure and function (internally defined REVEL score threshold <= 0.5, PMID: 27666373). To our knowledge, functional studies have not been reported for this variant. This variant has not been reported in individuals affected with cardiovascular disorders in the literature. This variant has been identified in 4/250838 chromosomes in the general population by the Genome Aggregation Database (gnomAD). The available evidence is insufficient to determine the role of this variant in disease conclusively. Therefore, this variant is classified as a Variant of Uncertain Significance.

This study involves interpretation of variants in research participants for the purpose of population health screening. Participant phenotype was not available at the time of variant classification. Additional details can be found in publication PMID: 35346344, PMCID: PMC8962531

Blueprint Genetics
Classification: Likely benign. Last evaluated: 2023-07-03. Review status: criteria provided, single submitter. Criteria: ACMG Guidelines, 2015. Collection method: clinical testing. Allele origin: germline.

Institute for Clinical Genetics, University Hospital TU Dresden, University Hospital TU Dresden
Classification: Uncertain significance. Last evaluated: 2021-11-03. Review status: criteria provided, single submitter. Criteria: ACMG Guidelines, 2015. Collection method: clinical testing. Allele origin: germline.

Women's Health and Genetics/Laboratory Corporation of America, LabCorp
Classification: Uncertain significance. Last evaluated: 2021-03-02. Review status: criteria provided, single submitter. Criteria: LabCorp Variant Classification Summary - May 2015. Collection method: clinical testing. Allele origin: germline.
Comment: Variant summary: FBN1 c.7051G>A (p.Gly2351Ser) results in a non-conservative amino acid change located in the TB domain (IPR017878) of the encoded protein sequence. Three of five in-silico tools predict a benign effect of the variant on protein function. The variant allele was found at a frequency of 1.6e-05 in 250838 control chromosomes. The available data on variant occurrences in the general population are insufficient to allow any conclusion about variant significance. c.7051G>A has been reported in the literature in at least one individual diagnosed with aortic dissection (Sun_2019). This report does not provide unequivocal conclusions about association of the variant with Marfan Syndrome. To our knowledge, no experimental evidence demonstrating an impact on protein function has been reported. Three clinical diagnostic laboratories have submitted clinical-significance assessments for this variant to ClinVar after 2014 without evidence for independent evaluation. All laboratories classified the variant as uncertain significance. Based on the evidence outlined above, the variant was classified as uncertain significance.

GeneDx
Classification: Uncertain significance. Last evaluated: 2017-01-25. Review status: criteria provided, single submitter. Criteria: GeneDx Variant Classification (06012015). Collection method: clinical testing. Allele origin: germline. Affected: yes.
Comment: p.Gly2351Ser (GGC>AGC): c.7051 G>A in exon 58 of the FBN1 gene (NM_000138.4)The G2351S variant in the FBN1 gene has not been reported as a disease-causing mutation or as a benign polymorphism to our knowledge. The G2351S variant was not observed in approximately 6500 individuals of European and African American ancestry in the NHLBI Exome Sequencing Project, indicating it is not a common benign variant in these populations. G2351S is a non-conservative amino acid substitution as these residues differ in polarity, charge, size and/or other properties and is more likely to impact secondary structure. However, mutations in nearby residues have not been reported in association with Marfan syndrome indicating this region of the protein may tolerate change. Additionally, the G2351 residue is only well conserved in mammals, and in silico algorithms yielded conflicting results regarding the effect of G2351S on protein structure/function. With the clinical and molecular information available at this time, we cannot definitively determine if G2351S is a disease-causing mutation or a rare benign variant. The variant is found in TAAD panel(s).

Center for Human Genetics, Inc
Classification: Uncertain significance for Marfan syndrome. Last evaluated: 2016-11-01. Review status: criteria provided, single submitter. Criteria: ACMG Guidelines, 2015. Collection method: clinical testing. Allele origin: germline. Affected: yes.

PreventionGenetics, part of Exact Sciences
Classification: Likely benign. Review status: criteria provided, single submitter. Criteria: ACMG Guidelines, 2015. Collection method: clinical testing. Allele origin: germline.

Literature cited by the submitters: PubMed 31296287 (cited by Ambry Genetics and Women's Health and Genetics/Laboratory Corporation of America, LabCorp); PubMed 26928463 (cited by Women's Health and Genetics/Laboratory Corporation of America, LabCorp).